The following is an entry in ClinVar:

NM_015001.3(SPEN):c.8122A>G (p.Thr2708Ala)

Gene: SPEN (spen family transcriptional repressor; plus strand). Cytogenetic location: 1p36.13.
Variant type: single nucleotide variant.
Coding change: c.8122A>G on transcript NM_015001.3 (MANE Select); coding-DNA position 8122, A replaced by G.
Protein change: p.Thr2708Ala; replaces threonine 2708 with alanine.
Molecular consequence: missense variant.
Genome position (GRCh38, 1-based): chr1:15,934,362, A>G. VCF-style: chr1-15934362-A-G. GRCh37 (hg19) VCF-style: chr1-16260857-A-G.
Other names: short protein forms T2708A.
Identifiers: ClinVar variation 4885166 (VCV004885166.2).

ClinVar aggregate classification (germline): Uncertain significance (1 of 4 stars; one submission).

gnomAD v4.1: 4 of 1,613,470 alleles (0.00025%); highest among the groups gnomAD compares: Admixed American, 0.005%; no homozygotes.

Submission:

Dasa
Classification: Uncertain significance. Last evaluated: 2025-10-09. Review status: criteria provided, single submitter. Criteria: DASA Assertion Criteria. Collection method: clinical testing. Allele origin: germline.
Comment: NM_015001.3(SPEN):c.8122A>G (p.Thr2708Ala) is a missense variant that results in the substitution of threonine with alanine. This variant is rare in population databases. Computational prediction algorithms are consistent with a benign effect. The currently available literature and clinical evidence are not sufficient to establish a definitive association between this variant and the reported condition. Therefore, this variant is classified as a variant of uncertain significance.